The following is an entry in ClinVar:

ClinVar aggregate classification (germline): Likely pathogenic. Review status: criteria provided, multiple submitters, no conflicts (2 of 4 stars). 2 submissions from 2 submitters: Likely pathogenic (2). Last evaluated 2024-08-08.

Conditions:
Xeroderma pigmentosum, group C (XPC). Also called: XPC-Related Xeroderma Pigmentosum; Xeroderma pigmentosum, complementation group C; XERODERMA PIGMENTOSUM III; XP, GROUP C. Identifiers: Orphanet 910, MedGen C2752147, MONDO:0010211, OMIM 278720.
Xeroderma pigmentosum (XP). Identifiers: Orphanet 910, MedGen C0043346, MONDO:0019600.

Allele frequency attached by ClinVar (database versions not stated): gnomAD 0.00001; gnomAD exomes 0.00001.
gnomAD v4.1: 20 of 1,596,714 alleles (0.0013%); highest among the groups gnomAD compares: Non-Finnish European, 0.0016%; no homozygotes.

Submissions (2):

Women's Health and Genetics/Laboratory Corporation of America, LabCorp
Classification: Likely pathogenic for Xeroderma pigmentosum. Last evaluated: 2024-08-08. Review status: criteria provided, single submitter. Criteria: LabCorp Variant Classification Summary - May 2015. Collection method: clinical testing. Allele origin: germline.
Comment: Variant summary: XPC c.621+1G>A is located in a canonical splice-site and is predicted to affect mRNA splicing resulting in a significantly altered protein due to either exon skipping, shortening, or inclusion of intronic material. Variants that disrupt the consensus splice site are a relatively common cause of aberrant splicing and loss of XPC function. Several computational tools predict a significant impact on normal splicing: Four predict the variant abolishes a canonical 5' splicing donor site. However, these predictions have yet to be confirmed by functional studies. The variant was absent in 241052 control chromosomes. c.621+1G>A has been reported in the literature in at-least one individual affected with Neuroendocrine neoplasms (example: Riechelmann_2023). The following publication has been ascertained in the context of this evaluation (PMID: 36947458). ClinVar contains an entry for this variant (Variation ID: 2679646). Based on the evidence outlined above, the variant was classified as likely pathogenic.

Baylor Genetics
Classification: Likely pathogenic for Xeroderma pigmentosum, group C. Last evaluated: 2023-12-27. Review status: criteria provided, single submitter. Criteria: ACMG Guidelines, 2015. Collection method: clinical testing. Allele origin: unknown.

Literature cited by the submitters: PubMed 36947458 (cited by Women's Health and Genetics/Laboratory Corporation of America, LabCorp).

NM_004628.5(XPC):c.621+1G>A

Gene: XPC (XPC complex subunit, DNA damage recognition and repair factor; minus strand). Cytogenetic location: 3p25.1.
Variant type: single nucleotide variant.
Coding change: c.621+1G>A on transcript NM_004628.5 (MANE Select); the canonical splice donor site of the intron after coding-DNA position 621, G replaced by A.
Molecular consequence: splice donor variant.
Genome position (GRCh38, 1-based): chr3:14,167,168, C>T on the plus strand (G>A on the coding strand, the complement: XPC is on the minus strand). VCF-style: chr3-14167168-C-T. GRCh37 (hg19) VCF-style: chr3-14208668-C-T.
Other names: c.603+1G>A (NM_001354729.2); c.42+1G>A (NM_001354726.2); c.621+1G>A (NM_001354730.2, NM_001354727.2).
Identifiers: ClinVar variation 2679646 (VCV002679646.3), dbSNP rs1399465960, ClinGen allele CA351542234.